The following is an entry in ClinVar:

ClinVar aggregate classification (germline): Uncertain significance (1 of 4 stars; one submission).

Submission:

GeneDx
Classification: Uncertain significance. Last evaluated: 2024-11-25. Review status: criteria provided, single submitter. Criteria: GeneDx Variant Classification Process June 2021. Collection method: clinical testing. Allele origin: germline. Affected: yes.
Comment: Not observed at significant frequency in large population cohorts (gnomAD); In silico analysis indicates that this missense variant does not alter protein structure/function; Has not been previously published as pathogenic or benign to our knowledge

NM_016312.3(WBP11):c.1195C>G (p.Pro399Ala)

Gene: WBP11 (WW domain binding protein 11; minus strand). Cytogenetic location: 12p12.3.
Variant type: single nucleotide variant.
Coding change: c.1195C>G on transcript NM_016312.3 (MANE Select); coding-DNA position 1195, C replaced by G.
Protein change: p.Pro399Ala; replaces proline 399 with alanine.
Molecular consequence: missense variant.
Genome position (GRCh38, 1-based): chr12:14,790,570, G>C on the plus strand (C>G on the coding strand, the complement: WBP11 is on the minus strand). VCF-style: chr12-14790570-G-C. GRCh37 (hg19) VCF-style: chr12-14943504-G-C.
Other names: short protein forms P399A.
Identifiers: ClinVar variation 3900166 (VCV003900166.1).